The following is an entry in ClinVar:

ClinVar aggregate classification (germline): Pathogenic. Review status: criteria provided, multiple submitters, no conflicts (2 of 4 stars). 2 submissions from 2 submitters: Pathogenic (2). Last evaluated 2025-10-22.

Conditions:
Alpha thalassemia-X-linked intellectual disability syndrome (ATRX). Also called: ALPHA-THALASSEMIA/MENTAL RETARDATION SYNDROME, X-LINKED; ATR, NONDELETION TYPE; ATR-X syndrome; Alpha thalassemia mental retardation syndrome, nondeletion type, X-linked; XLMR hypotonic face syndrome; X-linked alpha-thalassemia-mental retardation syndrome. Identifiers: Orphanet 847, MedGen C1845055, MONDO:0010519, OMIM 301040.

Submissions (2):

Women's Health and Genetics/Laboratory Corporation of America, LabCorp
Classification: Pathogenic for Alpha thalassemia-X-linked intellectual disability syndrome. Last evaluated: 2025-10-22. Review status: criteria provided, single submitter. Criteria: LabCorp Variant Classification Summary - May 2015. Collection method: clinical testing. Allele origin: germline.
Comment: Variant summary: ATRX c.3089_3099del11 (p.Lys1030ThrfsX3) results in a premature termination codon, predicted to cause a truncation of the encoded protein or absence of the protein due to nonsense mediated decay, which are commonly known mechanisms for disease. The variant was absent in 181854 control chromosomes. To our knowledge, no occurrence of c.3089_3099del11 in individuals affected with ATRX-related conditions and no experimental evidence demonstrating its impact on protein function have been reported. ClinVar contains an entry for this variant (Variation ID: 2815826). Based on the evidence outlined above, the variant was classified as pathogenic.

Labcorp Genetics (formerly Invitae), Labcorp
Classification: Pathogenic for Alpha thalassemia-X-linked intellectual disability syndrome. Last evaluated: 2023-01-13. Review status: criteria provided, single submitter. Criteria: Invitae Variant Classification Sherloc (09022015). Collection method: clinical testing. Allele origin: germline.
Comment: For these reasons, this variant has been classified as Pathogenic. This variant is not present in population databases (gnomAD no frequency). This sequence change creates a premature translational stop signal (p.Lys1030Thrfs*3) in the ATRX gene. It is expected to result in an absent or disrupted protein product. Loss-of-function variants in ATRX are known to be pathogenic (PMID: 15591283, 18409179, 23681356). This variant has not been reported in the literature in individuals affected with ATRX-related conditions.

Literature cited by the submitters: PubMed 15591283 (cited by Labcorp Genetics (formerly Invitae), Labcorp); PubMed 18409179 (cited by Labcorp Genetics (formerly Invitae), Labcorp); PubMed 23681356 (cited by Labcorp Genetics (formerly Invitae), Labcorp).

NM_000489.6(ATRX):c.3089_3099del (p.Lys1030fs)

Gene: ATRX (ATRX chromatin remodeler; minus strand). Cytogenetic location: Xq21.1.
Variant type: Deletion.
Coding change: c.3089_3099del on transcript NM_000489.6 (MANE Select); coding-DNA positions 3089 to 3099, 11 bases deleted (AGGGCATAAAA).
Protein change: p.Lys1030fs; shifts the reading frame from lysine 1030.
Molecular consequence: frameshift variant.
Genome position (GRCh38, 1-based): chrX:77,682,157-77,682,167, TTTTATGCCCT deleted on the plus strand (AGGGCATAAAA on the coding strand, the reverse complement: ATRX is on the minus strand); deleting any 11 consecutive bases within chrX:77,682,157-77,682,168 gives the same sequence; the c. name uses the placement nearest the transcript's 3' end. VCF-style (leftmost placement, unchanged base first): chrX-77682156-GTTTTATGCCCT-G. GRCh37 (hg19) VCF-style: chrX-76937648-GTTTTATGCCCT-G.
Other names: c.2975_2985del, p.Lys992fs (NM_138270.5); c.3089_3099del11 (NM_000489.6); short protein forms K1030fs, K992fs.
Identifiers: ClinVar variation 2815826 (VCV002815826.4), dbSNP rs2519910818, ClinGen allele CA2739273585.